The following is an entry in ClinVar:

NM_000088.4(COL1A1):c.3732C>T (p.Asn1244=)

Gene: COL1A1 (collagen type I alpha 1 chain; minus strand). Cytogenetic location: 17q21.33.
Variant type: single nucleotide variant.
Coding change: c.3732C>T on transcript NM_000088.4 (MANE Select); coding-DNA position 3732, C replaced by T.
Protein change: p.Asn1244=; no amino-acid change (asparagine 1244 retained).
Molecular consequence: synonymous variant.
Genome position (GRCh38, 1-based): chr17:50,186,722, G>A on the plus strand (C>T on the coding strand, the complement: COL1A1 is on the minus strand). VCF-style: chr17-50186722-G-A. GRCh37 (hg19) VCF-style: chr17-48264083-G-A.
Identifiers: ClinVar variation 682242 (VCV000682242.12), dbSNP rs994196345, ClinGen allele CA291542872.
Genomic context (GRCh38, chr17:50,186,722, plus strand): 5'-CATCTTGAGGTCACGGCAGGTGCGGGCGGGGTTCTTGCGGCTGCCCTCTGGGCTCCGGAT[G>A]TTCTCGATCTGCTGGCTCAGGCTCTTGAGGGTGGTGTCCACCTCGAGGTCACGGTCACGA-3'
Protein context (NP_000079.2, residues 1234-1254): TLKSLSQQIE[Asn1244=]IRSPEGSRKN

ClinVar aggregate classification (germline): Likely benign. Review status: criteria provided, multiple submitters, no conflicts (2 of 4 stars). 3 submissions from 3 submitters: Likely benign (3). Last evaluated 2024-10-24.

Conditions:
Osteogenesis imperfecta type I (OI1). Also called: Lobstein disease; Lobstein's Disease; Osteogenesis imperfecta type 1; Classic Non-deforming Osteogenesis Imperfecta with Blue Sclerae; OI, TYPE I; OSTEOGENESIS IMPERFECTA TARDA. Identifiers: Orphanet 216796, Orphanet 666, MedGen C0023931, MONDO:0008146, OMIM 166200. Disease mechanism: loss of function.
Cardiovascular phenotype. Identifiers: MedGen CN230736.

Allele frequency attached by ClinVar (database versions not stated): gnomAD exomes below 0.00001; TOPMed 0.00002.

Submissions (3):

Ambry Genetics
Classification: Likely benign for Cardiovascular phenotype. Last evaluated: 2024-10-24. Review status: criteria provided, single submitter. Criteria: Ambry Variant Classification Scheme 2023. Collection method: clinical testing. Allele origin: germline.

Labcorp Genetics (formerly Invitae), Labcorp
Classification: Likely benign for Osteogenesis imperfecta type I. Last evaluated: 2024-02-23. Review status: criteria provided, single submitter. Criteria: Invitae Variant Classification Sherloc (09022015). Collection method: clinical testing. Allele origin: germline.

GeneDx
Classification: Likely benign. Last evaluated: 2018-04-24. Review status: criteria provided, single submitter. Criteria: GeneDx Variant Classification (06012015). Collection method: clinical testing. Allele origin: germline. Affected: yes.
Comment: This variant is considered likely benign or benign based on one or more of the following criteria: it is a conservative change, it occurs at a poorly conserved position in the protein, it is predicted to be benign by multiple in silico algorithms, and/or has population frequency not consistent with disease.